The following is an entry in ClinVar:

NM_001987.5(ETV6):c.853G>A (p.Val285Met)

Gene: ETV6 (ETS variant transcription factor 6; plus strand). Cytogenetic location: 12p13.2.
Variant type: single nucleotide variant.
Coding change: c.853G>A on transcript NM_001987.5 (MANE Select); coding-DNA position 853, G replaced by A.
Protein change: p.Val285Met; replaces valine 285 with methionine.
Molecular consequence: missense variant.
Genome position (GRCh38, 1-based): chr12:11,869,813, G>A. VCF-style: chr12-11869813-G-A. GRCh37 (hg19) VCF-style: chr12-12022747-G-A.
Other names: short protein forms V285M.
Identifiers: ClinVar variation 1336736 (VCV001336736.9), dbSNP rs376242225, ClinGen allele CA6454344.

ClinVar aggregate classification (germline): Conflicting classifications of pathogenicity. Review status: criteria provided, conflicting classifications (1 of 4 stars). 4 submissions from 4 submitters: Uncertain significance (3); Likely benign (1). Last evaluated 2025-11-22.

Conditions:
Inborn genetic diseases. Identifiers: MedGen C0950123, MeSH D030342.

Allele frequency attached by ClinVar (database versions not stated): gnomAD 0.00007 and 0.00008; ESP Exome Variant Server 0.00008; TOPMed 0.00003; ExAC 0.00001.
gnomAD v4.1: 26 of 1,613,140 alleles (0.0016%); highest among the groups gnomAD compares: African/African-American, 0.0027%; no homozygotes.

Submissions (4):

Labcorp Genetics (formerly Invitae), Labcorp
Classification: Uncertain significance. Last evaluated: 2025-11-22. Review status: criteria provided, single submitter. Criteria: Invitae Variant Classification Sherloc (09022015). Collection method: clinical testing. Allele origin: germline.
Comment: This sequence change replaces valine, which is neutral and non-polar, with methionine, which is neutral and non-polar, at codon 285 of the ETV6 protein (p.Val285Met). This variant is present in population databases (rs376242225, gnomAD 0.07%), and has an allele count higher than expected for a pathogenic variant. This missense change has been observed in individual(s) with acute lymphoblastic leukemia (PMID: 26522332). ClinVar contains an entry for this variant (Variation ID: 1336736). Invitae Evidence Modeling of protein sequence and biophysical properties (such as structural, functional, and spatial information, amino acid conservation, physicochemical variation, residue mobility, and thermodynamic stability) indicates that this missense variant is not expected to disrupt ETV6 protein function with a negative predictive value of 80%. In summary, the available evidence is currently insufficient to determine the role of this variant in disease. Therefore, it has been classified as a Variant of Uncertain Significance.

Ambry Genetics
Classification: Likely benign for Inborn genetic diseases. Last evaluated: 2025-02-18. Review status: criteria provided, single submitter. Criteria: Ambry Variant Classification Scheme 2023. Collection method: clinical testing. Allele origin: germline.

GeneDx
Classification: Uncertain significance. Last evaluated: 2024-09-24. Review status: criteria provided, single submitter. Criteria: GeneDx Variant Classification Process June 2021. Collection method: clinical testing. Allele origin: germline. Affected: yes.
Comment: In silico analysis indicates that this missense variant does not alter protein structure/function; Observed in patients with childhood acute lymphoblastic leukemia (PMID: 26522332); This variant is associated with the following publications: (PMID: 26522332, 28555414, 28637624)

Genetic Services Laboratory, University of Chicago
Classification: Uncertain significance. Last evaluated: 2018-06-25. Review status: criteria provided, single submitter. Criteria: ACMG Guidelines, 2015. Collection method: clinical testing. Allele origin: germline. Affected: no.

Literature cited by the submitters: PubMed 26522332 (cited by Labcorp Genetics (formerly Invitae), Labcorp).